The following is an entry in ClinVar:

NM_005859.5(PURA):c.40G>C (p.Ala14Pro)

Gene: PURA (purine rich element binding protein A; plus strand). Cytogenetic location: 5q31.3.
Variant type: single nucleotide variant.
Coding change: c.40G>C on transcript NM_005859.5 (MANE Select); coding-DNA position 40, G replaced by C.
Protein change: p.Ala14Pro; replaces alanine 14 with proline.
Molecular consequence: missense variant.
Genome position (GRCh38, 1-based): chr5:140,114,221, G>C. VCF-style: chr5-140114221-G-C. GRCh37 (hg19) VCF-style: chr5-139493806-G-C.
Other names: short protein forms A14P.
Identifiers: ClinVar variation 570676 (VCV000570676.15), dbSNP rs1046152089, ClinGen allele CA128789388.
Genomic context (GRCh38, chr5:140,114,221, plus strand): 5'-GCGGCAGCGGAGCGCAGCATCATGGCGGACCGAGACAGCGGCAGCGAGCAGGGTGGTGCG[G>C]CGCTGGGTTCGGGCGGCTCCCTGGGGCACCCCGGCTCGGGCTCAGGCTCCGGCGGGGGCG-3'
Protein context (NP_005850.1, residues 4-24): RDSGSEQGGA[Ala14Pro]LGSGGSLGHP

ClinVar aggregate classification (germline): Conflicting classifications of pathogenicity. Review status: criteria provided, conflicting classifications (1 of 4 stars). 4 submissions from 4 submitters: Uncertain significance (1); Benign (1); Likely benign (2). Last evaluated 2025-08-11.

Conditions:
PURA-related severe neonatal hypotonia-seizures-encephalopathy syndrome (NEDRIHF). Also called: NEURODEVELOPMENTAL DISORDER WITH NEONATAL RESPIRATORY INSUFFICIENCY, HYPOTONIA, AND FEEDING DIFFICULTIES; PURA-Related Neurodevelopmental Disorders. Identifiers: Orphanet 438213, Orphanet 438216, MedGen C4015357, MONDO:1060108, OMIM 616158, MONDO:0018580.
PURA-related disorder. Also called: PURA-related condition.
Inborn genetic diseases. Identifiers: MedGen C0950123, MeSH D030342.
Intellectual disability. Also called: Intellectual developmental disorder; Intellectual functioning disability; intellectual disabilities. Identifiers: MedGen C3714756, MeSH D008607, MONDO:0001071, HP:0001249.

Allele frequency attached by ClinVar (database versions not stated): gnomAD 0.00024; TOPMed 0.00025; 1000 Genomes Project 30x 0.00031.
gnomAD v4.1: 27 of 1,039,306 alleles (0.0026%); highest among the groups gnomAD compares: African/African-American, 0.044%; no homozygotes.

Submissions (4):

Labcorp Genetics (formerly Invitae), Labcorp
Classification: Benign for PURA-related severe neonatal hypotonia-seizures-encephalopathy syndrome. Last evaluated: 2025-08-11. Review status: criteria provided, single submitter. Criteria: Invitae Variant Classification Sherloc (09022015). Collection method: clinical testing. Allele origin: germline.

PreventionGenetics, part of Exact Sciences
Classification: Likely benign for PURA-related condition. Last evaluated: 2025-02-08. Review status: criteria provided, single submitter. Criteria: ACMG Guidelines, 2015. Collection method: clinical testing. Allele origin: germline.
Comment: This variant is classified as likely benign based on ACMG/AMP sequence variant interpretation guidelines (Richards et al. 2015 PMID: 25741868, with internal and published modifications).

Cambridge Genomics Laboratory, East Genomic Laboratory Hub, NHS Genomic Medicine Service
Classification: Uncertain significance for Intellectual disability. Last evaluated: 2020-01-13. Review status: criteria provided, single submitter. Criteria: ACGS Best Practice Guidelines for Variant Classification in Rare Disease 2020. Collection method: clinical testing. Allele origin: germline. Affected: yes. Observed: 1 variant allele.

Ambry Genetics
Classification: Likely benign for Inborn genetic diseases. Last evaluated: 2018-06-12. Review status: criteria provided, single submitter. Criteria: Ambry Variant Classification Scheme 2023. Collection method: clinical testing. Allele origin: germline.